The following is an entry in ClinVar:

ClinVar aggregate classification (germline): Likely benign (1 of 4 stars; one submission).

Submission:

CeGaT Center for Human Genetics Tuebingen
Classification: Likely benign. Last evaluated: 2026-09-01. Review status: criteria provided, single submitter. Criteria: CeGaT Center For Human Genetics Tuebingen Variant Classification Criteria Version 2. Collection method: clinical testing. Allele origin: germline. Affected: yes. Observed: 1 variant allele.
Comment: FANCM: PM2:Supporting, BP4, BP7

NM_020937.4(FANCM):c.4116A>G (p.Arg1372=)

Gene: FANCM (FA complementation group M; plus strand). Cytogenetic location: 14q21.2.
Variant type: single nucleotide variant.
Coding change: c.4116A>G on transcript NM_020937.4 (MANE Select); coding-DNA position 4116, A replaced by G.
Protein change: p.Arg1372=; no amino-acid change (arginine 1372 retained).
Molecular consequence: synonymous variant.
Genome position (GRCh38, 1-based): chr14:45,176,870, A>G. VCF-style: chr14-45176870-A-G. GRCh37 (hg19) VCF-style: chr14-45646073-A-G.
Other names: c.4038A>G, p.Arg1346= (NM_001308133.2).
Identifiers: ClinVar variation 5041843 (VCV005041843.1).